The following is an entry in ClinVar:

ClinVar aggregate classification (germline): Uncertain significance (1 of 4 stars; one submission).

Submission:

GeneDx
Classification: Uncertain significance. Last evaluated: 2024-11-26. Review status: criteria provided, single submitter. Criteria: GeneDx Variant Classification Process June 2021. Collection method: clinical testing. Allele origin: germline. Affected: yes.
Comment: Not observed at significant frequency in large population cohorts (gnomAD); In silico analysis supports that this missense variant has a deleterious effect on protein structure/function; Has not been previously published as pathogenic or benign to our knowledge

NM_006267.5(RANBP2):c.4375T>A (p.Phe1459Ile)

Gene: RANBP2 (RAN binding protein 2; plus strand). Cytogenetic location: 2q13.
Variant type: single nucleotide variant.
Coding change: c.4375T>A on transcript NM_006267.5 (MANE Select); coding-DNA position 4375, T replaced by A.
Protein change: p.Phe1459Ile; replaces phenylalanine 1459 with isoleucine.
Molecular consequence: missense variant.
Genome position (GRCh38, 1-based): chr2:108,764,914, T>A. VCF-style: chr2-108764914-T-A. GRCh37 (hg19) VCF-style: chr2-109381370-T-A.
Other names: c.4375T>A, p.Phe1459Ile (NM_001415871.1, NM_001415873.1); c.4372T>A, p.Phe1458Ile (NM_001415872.1); short protein forms F1458I, F1459I.
Identifiers: ClinVar variation 3901586 (VCV003901586.1).